The following is an entry in ClinVar:

ClinVar aggregate classification (germline): Uncertain significance (1 of 4 stars; one submission).

Allele frequency attached by ClinVar (database versions not stated): gnomAD 0.00001; gnomAD exomes 0.00001.
gnomAD v4.1: 4 of 1,609,700 alleles (0.00025%); highest among the groups gnomAD compares: Non-Finnish European, 0.00034%; no homozygotes.

Submission:

Labcorp Genetics (formerly Invitae), Labcorp
Classification: Uncertain significance. Last evaluated: 2023-11-27. Review status: criteria provided, single submitter. Criteria: Invitae Variant Classification Sherloc (09022015). Collection method: clinical testing. Allele origin: germline.
Comment: This sequence change replaces glutamine, which is neutral and polar, with arginine, which is basic and polar, at codon 628 of the CFH protein (p.Gln628Arg). This variant is not present in population databases (gnomAD no frequency). This variant has not been reported in the literature in individuals affected with CFH-related conditions. ClinVar contains an entry for this variant (Variation ID: 1487364). Algorithms developed to predict the effect of missense changes on protein structure and function output the following: SIFT: "Not Available"; PolyPhen-2: "Benign"; Align-GVGD: "Not Available". The arginine amino acid residue is found in multiple mammalian species, which suggests that this missense change does not adversely affect protein function. In summary, the available evidence is currently insufficient to determine the role of this variant in disease. Therefore, it has been classified as a Variant of Uncertain Significance.

NM_000186.4(CFH):c.1883A>G (p.Gln628Arg)

Gene: CFH (complement factor H; plus strand). Cytogenetic location: 1q31.3.
Variant type: single nucleotide variant.
Coding change: c.1883A>G on transcript NM_000186.4 (MANE Select); coding-DNA position 1883, A replaced by G.
Protein change: p.Gln628Arg; replaces glutamine 628 with arginine.
Molecular consequence: missense variant.
Genome position (GRCh38, 1-based): chr1:196,726,479, A>G. VCF-style: chr1-196726479-A-G. GRCh37 (hg19) VCF-style: chr1-196695609-A-G.
Other names: short protein forms Q628R.
Identifiers: ClinVar variation 1487364 (VCV001487364.8), dbSNP rs1172202625, ClinGen allele CA343987126.